The following is an entry in ClinVar:

NM_000642.3(AGL):c.3551C>T (p.Pro1184Leu)

Gene: AGL (amylo-alpha-1,6-glucosidase and 4-alpha-glucanotransferase; plus strand). Cytogenetic location: 1p21.2.
Variant type: single nucleotide variant.
Coding change: c.3551C>T on transcript NM_000642.3 (MANE Select); coding-DNA position 3551, C replaced by T.
Protein change: p.Pro1184Leu; replaces proline 1184 with leucine.
Molecular consequence: missense variant.
Genome position (GRCh38, 1-based): chr1:99,900,824, C>T. VCF-style: chr1-99900824-C-T. GRCh37 (hg19) VCF-style: chr1-100366380-C-T.
Other names: c.3173C>T, p.Pro1058Leu (NM_001425332.1); c.3551C>T, p.Pro1184Leu (NM_001425325.1, NM_000028.3, NM_000643.3 and 1 more transcripts); c.3530C>T, p.Pro1177Leu (NM_001425326.1); c.3350C>T, p.Pro1117Leu (NM_001425327.1); c.3347C>T, p.Pro1116Leu (NM_001425328.1); c.3212C>T, p.Pro1071Leu (NM_001425329.1); c.3503C>T, p.Pro1168Leu (NM_000646.3); short protein forms P1168L, P1184L, P1058L, P1071L, P1116L, P1117L, P1177L.
Identifiers: ClinVar variation 646063 (VCV000646063.8), dbSNP rs374498927, ClinGen allele CA967097.
Genomic context (GRCh38, chr1:99,900,824, plus strand): 5'-ACTGTAAAATGGTTCCAAATGGTCTAGACATTCTCAAGTGCCCAGTTTCCAGAATGTATC[C>T]TACAGATGATTCTGCTCCTTTGCCTGCTGGCACACTGGTAAAGATATTTCTTAAAATGTT-3'
Protein context (NP_000633.2, residues 1174-1194): ILKCPVSRMY[Pro1184Leu]TDDSAPLPAG

ClinVar aggregate classification (germline): Uncertain significance. Review status: criteria provided, single submitter (1 of 4 stars). 2 submissions from 2 submitters: Uncertain significance (1). 1 of the submissions does not count toward it. Last evaluated 2022-05-14.

Conditions:
Glycogen storage disease type III (GSD3). Also called: FORBES DISEASE; Cori disease. Identifiers: Orphanet 366, MedGen C0017922, MONDO:0009291, OMIM 232400.

Allele frequency attached by ClinVar (database versions not stated): gnomAD exomes below 0.00001 and 0.00001; ExAC 0.00001; gnomAD 0.00001; TOPMed 0.00001; ESP Exome Variant Server 0.00008.
gnomAD v4.1: 22 of 1,613,036 alleles (0.0014%); highest among the groups gnomAD compares: Non-Finnish European, 0.0019%; no homozygotes.

Submissions (2):

Labcorp Genetics (formerly Invitae), Labcorp
Classification: Uncertain significance for Glycogen storage disease type III. Last evaluated: 2022-05-14. Review status: criteria provided, single submitter. Criteria: Invitae Variant Classification Sherloc (09022015). Collection method: clinical testing. Allele origin: germline.
Comment: This sequence change replaces proline, which is neutral and non-polar, with leucine, which is neutral and non-polar, at codon 1184 of the AGL protein (p.Pro1184Leu). This variant is present in population databases (rs374498927, gnomAD 0.0009%). This variant has not been reported in the literature in individuals affected with AGL-related conditions. ClinVar contains an entry for this variant (Variation ID: 646063). Algorithms developed to predict the effect of missense changes on protein structure and function are either unavailable or do not agree on the potential impact of this missense change (SIFT: "Deleterious"; PolyPhen-2: "Probably Damaging"; Align-GVGD: "Class C0"). In summary, the available evidence is currently insufficient to determine the role of this variant in disease. Therefore, it has been classified as a Variant of Uncertain Significance.

Natera, Inc.
Classification: Uncertain significance for Glycogen storage disease type III. Last evaluated: 2021-04-13. Review status: no assertion criteria provided. Collection method: clinical testing. Allele origin: germline. Not counted in ClinVar's aggregate classification.